The following is an entry in ClinVar:

ClinVar aggregate classification (germline): Likely benign. Review status: criteria provided, multiple submitters, no conflicts (2 of 4 stars). 2 submissions from 2 submitters: Likely benign (2). Last evaluated 2023-03-01.

Allele frequency attached by ClinVar (database versions not stated): ExAC 0.00087; gnomAD 0.00279; 1000 Genomes Project 30x 0.00281; ESP Exome Variant Server 0.00339; 1000 Genomes Project 0.00359.
gnomAD v4.1: 871 of 1,584,172 alleles (0.055%); highest among the groups gnomAD compares: African/African-American, 1.1%; 111 homozygotes.

Submissions (2):

CeGaT Center for Human Genetics Tuebingen
Classification: Likely benign. Last evaluated: 2023-03-01. Review status: criteria provided, single submitter. Criteria: CeGaT Center For Human Genetics Tuebingen Variant Classification Criteria Version 2. Collection method: clinical testing. Allele origin: germline. Affected: yes. Observed: 1 variant allele.
Comment: AHNAK2: BP4, BS2

Breakthrough Genomics
Classification: Likely benign. Review status: criteria provided, single submitter. Criteria: ACMG Guidelines, 2015. Collection method: not provided. Allele origin: germline. Inheritance: Unknown mechanism. Affected: yes.

NM_138420.4(AHNAK2):c.5170G>A (p.Val1724Met)

Gene: AHNAK2 (AHNAK nucleoprotein 2; minus strand). Cytogenetic location: 14q32.33.
Variant type: single nucleotide variant.
Coding change: c.5170G>A on transcript NM_138420.4 (MANE Select); coding-DNA position 5170, G replaced by A.
Protein change: p.Val1724Met; replaces valine 1724 with methionine.
Molecular consequence: missense variant.
Genome position (GRCh38, 1-based): chr14:104,950,281, C>T on the plus strand (G>A on the coding strand, the complement: AHNAK2 is on the minus strand). VCF-style: chr14-104950281-C-T. GRCh37 (hg19) VCF-style: chr14-105416618-C-T.
Other names: c.4870G>A, p.Val1624Met (NM_001350929.2); short protein forms V1624M, V1724M.
Identifiers: ClinVar variation 2644803 (VCV002644803.25), dbSNP rs116493110, ClinGen allele CA7381937.